The following is an entry in ClinVar:

NM_133372.3(FNIP1):c.2833dup (p.Asp945fs)

Gene: FNIP1 (folliculin interacting protein 1; minus strand). Cytogenetic location: 5q31.1.
Variant type: Duplication.
Coding change: c.2833dup on transcript NM_133372.3 (MANE Select); coding-DNA position 2833, one base duplicated (G; older notation c.2833dupG).
Protein change: p.Asp945fs; shifts the reading frame from aspartic acid 945.
Molecular consequence: frameshift variant.
Genome position (GRCh38, 1-based): chr5:131,671,611, C duplicated on the plus strand (G on the coding strand, the reverse complement: FNIP1 is on the minus strand); the first of 4 consecutive C bases (chr5:131,671,611-131,671,614); duplicating any one gives the same sequence. VCF-style (leftmost placement, unchanged base first): chr5-131671610-T-TC. GRCh37 (hg19) VCF-style: chr5-131007303-T-TC.
Other names: c.2749dup, p.Asp917fs (NM_001008738.3); c.2698dup, p.Asp900fs (NM_001346114.2); short protein forms D917fs, D900fs, D945fs.
Identifiers: ClinVar variation 2031591 (VCV002031591.4), dbSNP rs2532125524, ClinGen allele CA2580072626.

ClinVar aggregate classification (germline): Pathogenic (1 of 4 stars; one submission).

Submission:

Labcorp Genetics (formerly Invitae), Labcorp
Classification: Pathogenic. Last evaluated: 2022-09-21. Review status: criteria provided, single submitter. Criteria: Invitae Variant Classification Sherloc (09022015). Collection method: clinical testing. Allele origin: germline.
Comment: This variant has not been reported in the literature in individuals affected with FNIP1-related conditions. For these reasons, this variant has been classified as Pathogenic. This sequence change creates a premature translational stop signal (p.Asp945Glyfs*2) in the FNIP1 gene. It is expected to result in an absent or disrupted protein product. Loss-of-function variants in FNIP1 are known to be pathogenic (PMID: 32181500, 32905580). This variant is not present in population databases (gnomAD no frequency).

Literature cited by the submitters: PubMed 32181500; PubMed 32905580.